The following is an entry in ClinVar:

NM_007294.4(BRCA1):c.4391_4393delinsTT (p.Pro1464fs)

Gene: BRCA1 (BRCA1 DNA repair associated; minus strand). Cytogenetic location: 17q21.31.
Variant type: Indel.
Coding change: c.4391_4393delinsTT on transcript NM_007294.4 (MANE Select); coding-DNA positions 4391 to 4393, CTA replaced by TT.
Protein change: p.Pro1464fs; shifts the reading frame from proline 1464.
Molecular consequence: frameshift variant. On other transcripts: non-coding transcript variant (1).
Genome position (GRCh38, 1-based): chr17:43,076,579-43,076,581, TAG replaced by AA on the plus strand (CTA replaced by TT on the coding strand, the reverse complement: BRCA1 is on the minus strand). VCF-style: chr17-43076579-TAG-AA. GRCh37 (hg19) VCF-style: chr17-41228596-TAG-AA.
Other names: 4510delCTAinsTT; 4510del3insTT; c.4178_4180delCTAinsTT, p.Pro1393Leufs (NM_001407571.1, NM_001407894.1, NM_001407895.1 and 12 more transcripts); c.4457_4459delCTAinsTT, p.Pro1486Leufs (NM_001407581.1, NM_001407582.1); c.4454_4456delCTAinsTT, p.Pro1485Leufs (NM_001407583.1, NM_001407585.1, NM_001407587.1); c.4451_4453delCTAinsTT, p.Pro1484Leufs (NM_001407590.1, NM_001407591.1); c.4391_4393delCTAinsTT, p.Pro1464Leufs (NM_001407593.1, NM_001407594.1, NM_001407596.1 and 8 more transcripts); c.4388_4390delCTAinsTT, p.Pro1463Leufs (NM_001407610.1, NM_001407611.1, NM_001407612.1 and 17 more transcripts); and 73 more; short protein forms P360fs, P1417fs, P1464fs, P1485fs.
Identifiers: ClinVar variation 37588 (VCV000037588.39), dbSNP rs273900730, ClinGen allele CA002815.

ClinVar aggregate classification (germline): Pathogenic. Review status: reviewed by expert panel (3 of 4 stars). 14 submissions from 14 submitters: Pathogenic (1). 13 of the submissions do not count toward it. Last evaluated 2016-09-08.

Conditions:
Fanconi anemia, complementation group S (FANCS). Identifiers: MedGen C4554406, MONDO:0054748, OMIM 617883.
Hereditary cancer-predisposing syndrome. Also called: Tumor predisposition; Neoplastic Syndromes, Hereditary; Hereditary Cancer Syndrome; Hereditary neoplastic syndrome. Identifiers: Orphanet 140162, MedGen C0027672, MeSH D009386, MONDO:0015356.
Hereditary breast ovarian cancer syndrome. Also called: Hereditary breast and ovarian cancer syndrome (HBOC); Hereditary breast and ovarian cancer syndrome; Hereditary breast and ovarian cancer; Hereditary breast and/or ovarian cancer syndrome; Breast and ovarian cancer; BRCA1- and BRCA2-Associated Hereditary Breast and Ovarian Cancer. Identifiers: Orphanet 145, MedGen C0677776, MeSH D061325, MONDO:0003582. Disease mechanism: loss of function.
Breast-ovarian cancer, familial, susceptibility to, 1 (BROVCA1). Also called: OVARIAN CANCER, SUSCEPTIBILITY TO; BRCA1 Hereditary Breast and Ovarian Cancer. Identifiers: Orphanet 145, MedGen C2676676, MONDO:0011450, OMIM 604370. Disease mechanism: loss of function.
Familial cancer of breast. Also called: Hereditary breast cancer; hereditary breast carcinoma; BREAST CANCER, FAMILIAL. Identifiers: Orphanet 227535, MedGen C0346153, MONDO:0016419, OMIM 114480. Disease mechanism: loss of function.

Submissions (14):

Evidence-based Network for the Interpretation of Germline Mutant Alleles (ENIGMA)
Classification: Pathogenic for Breast-ovarian cancer, familial, susceptibility to, 1. Last evaluated: 2016-09-08. Review status: reviewed by expert panel. Criteria: ENIGMA BRCA1/2 Classification Criteria (2015). Collection method: curation. Allele origin: germline.
Comment: Variant allele predicted to encode a truncated non-functional protein.

Ambry Genetics
Classification: Pathogenic for Hereditary cancer-predisposing syndrome. Last evaluated: 2025-08-27. Review status: criteria provided, single submitter. Criteria: Ambry Variant Classification Scheme 2023. Collection method: clinical testing. Allele origin: germline. Not counted in ClinVar's aggregate classification.
Comment: The c.4391_4393delCTAinsTT pathogenic mutation, located in coding exon 12 of the BRCA1 gene, results from the deletion of 3 nucleotides and insertion of two nucleotides causing a translational frameshift with a predicted alternate stop codon (p.P1464Lfs*2). This mutation has been previously reported in breast/ovarian cancer families (Rostagno P et al. J. Hum. Genet. 2003; 48(7):362-6; Konstantopoulou I, Clin. Genet. 2014 Jan; 85(1):36-42). Of note, this alteration is also referred to as 4510delCTAinsTT in published literature. In addition to the information available in the literature, this alteration is expected to result in loss of function by premature protein truncation or nonsense-mediated mRNA decay. As such, this alteration is interpreted as a disease-causing mutation.

Labcorp Genetics (formerly Invitae), Labcorp
Classification: Pathogenic for Hereditary breast ovarian cancer syndrome. Last evaluated: 2025-02-03. Review status: criteria provided, single submitter. Criteria: Invitae Variant Classification Sherloc (09022015). Collection method: clinical testing. Allele origin: germline. Not counted in ClinVar's aggregate classification.
Comment: This sequence change creates a premature translational stop signal (p.Pro1464Leufs*2) in the BRCA1 gene. It is expected to result in an absent or disrupted protein product. Loss-of-function variants in BRCA1 are known to be pathogenic (PMID: 20104584). Information on the frequency of this variant in the gnomAD database is not available, as this variant may be reported differently in the database. This premature translational stop signal has been observed in individual(s) with breast and/or ovarian cancer (PMID: 12827452, 16683254, 24010542, 31209999). This variant is also known as 4510del3insTT. ClinVar contains an entry for this variant (Variation ID: 37588). For these reasons, this variant has been classified as Pathogenic.

Department of Pathology and Laboratory Medicine, Sinai Health System
Classification: Pathogenic for Fanconi anemia, complementation group S. Last evaluated: 2024-06-17. Review status: criteria provided, single submitter. Criteria: ACMG Guidelines, 2015. Collection method: clinical testing. Allele origin: germline. Not counted in ClinVar's aggregate classification.

GeneDx
Classification: Pathogenic. Last evaluated: 2023-06-29. Review status: criteria provided, single submitter. Criteria: GeneDx Variant Classification Process June 2021. Collection method: clinical testing. Allele origin: germline. Affected: yes. Not counted in ClinVar's aggregate classification.
Comment: Frameshift variant predicted to result in protein truncation or nonsense mediated decay in a gene for which loss of function is a known mechanism of disease; Identified in individuals with personal or family history of breast and/or ovarian cancer (Rostagno et al., 2003; van der Hout et al., 2006; Konstantopoulou et al., 2014; Sunar et al., 2022); Truncating variants in this gene are considered pathogenic by a well-established clinical consortium and/or database; Not observed at significant frequency in large population cohorts (gnomAD); Also known as 4510delCTAinsTT and 4510del3insTT; This variant is associated with the following publications: (PMID: 12827452, 10952777, 24010542, 26300996, 11748305, 16683254, 31159747, 31209999, 16267036, 33629534)

Clinical Genetics Laboratory, Skane University Hospital Lund
Classification: Pathogenic. Last evaluated: 2022-05-27. Review status: criteria provided, single submitter. Criteria: ACMG Guidelines, 2015. Collection method: clinical testing. Allele origin: germline. Affected: yes. Not counted in ClinVar's aggregate classification.

Color Diagnostics, LLC DBA Color Health
Classification: Pathogenic for Hereditary cancer-predisposing syndrome. Last evaluated: 2020-11-16. Review status: criteria provided, single submitter. Criteria: ACMG Guidelines, 2015. Collection method: clinical testing. Allele origin: germline. Not counted in ClinVar's aggregate classification.
Comment: This variant replaces three nucleotides in exon 13 of the BRCA1 gene with two new nucleotides, creating a frameshift and premature translation stop signal. This variant is expected to result in an absent or non-functional protein product. This variant has been reported affected with or at risk for breast and ovarian cancer (PMID: 12827452, 16267036, 24010542, 29310832, 30430080, 31209999). This variant has not been identified in the general population by the Genome Aggregation Database (gnomAD). Loss of BRCA1 function is a known mechanism of disease. Based on the available evidence, this variant is classified as Pathogenic.

GeneKor MSA
Classification: Pathogenic for Hereditary Breast Carcinoma. Last evaluated: 2020-01-01. Review status: criteria provided, single submitter. Criteria: ACMG Guidelines, 2015. Collection method: clinical testing. Allele origin: germline. Affected: yes. Not counted in ClinVar's aggregate classification.
Comment: This sequence change deletes 3 nucleotides and inserts 2 nucleotides into exon 14 of the BRCA1 mRNA (c.4391_4393delCTAinsTT) causing a frameshift after codon 1464 and the creation of a premature translation stop signal 2 amino acid residues later p.(Pro1464Leufs) This is expected to result in an absent or disrupted protein product. Truncating variants in BRCA1 are known to be pathogenic. This particularly variant has been described in families affected with breast and/or ovarian cancer (PMID: 12827452, 24010542). This mutation has been described in the mutation database ClinVar (Variation ID: 37588).

CeGaT Center for Human Genetics Tuebingen
Classification: Pathogenic. Last evaluated: 2019-04-01. Review status: criteria provided, single submitter. Criteria: CeGaT Center For Human Genetics Tuebingen Variant Classification Criteria Version 2. Collection method: clinical testing. Allele origin: germline. Affected: yes. Observed: 1 variant allele. Not counted in ClinVar's aggregate classification.

Clinical Genetics and Genomics, Karolinska University Hospital
Classification: Pathogenic. Last evaluated: 2018-07-30. Review status: criteria provided, single submitter. Criteria: ACMG Guidelines, 2015. Collection method: clinical testing. Allele origin: germline. Affected: yes. Observed: 1 variant allele. Not counted in ClinVar's aggregate classification.

Women's Health and Genetics/Laboratory Corporation of America, LabCorp
Classification: Pathogenic for Hereditary breast ovarian cancer syndrome. Last evaluated: 2016-03-03. Review status: criteria provided, single submitter. Criteria: LabCorp Variant Classification Summary - May 2015. Collection method: clinical testing. Allele origin: germline. Not counted in ClinVar's aggregate classification.

Consortium of Investigators of Modifiers of BRCA1/2 (CIMBA), c/o University of Cambridge
Classification: Pathogenic for Breast-ovarian cancer, familial, susceptibility to, 1. Last evaluated: 2015-10-02. Review status: criteria provided, single submitter. Criteria: CIMBA Mutation Classification guidelines May 2016. Collection method: clinical testing. Allele origin: germline. Not counted in ClinVar's aggregate classification.

Sharing Clinical Reports Project (SCRP)
Classification: Pathogenic for Breast-ovarian cancer, familial 1. Last evaluated: 2012-05-01. Review status: no assertion criteria provided. Collection method: clinical testing. Allele origin: germline. Not counted in ClinVar's aggregate classification.

Breast Cancer Information Core (BIC) (BRCA1)
Classification: Pathogenic for Breast-ovarian cancer, familial 1. Last evaluated: 2004-02-20. Review status: no assertion criteria provided. Collection method: clinical testing. Allele origin: germline, unknown. Affected: yes. Observed: 5 variant alleles. Not counted in ClinVar's aggregate classification.

Literature cited by the submitters: PubMed 12827452 (cited by 4 submitters); PubMed 24010542 (cited by 3 submitters); PubMed 20104584 (cited by Labcorp Genetics (formerly Invitae), Labcorp); PubMed 16683254 (cited by Labcorp Genetics (formerly Invitae), Labcorp and Women's Health and Genetics/Laboratory Corporation of America, LabCorp); PubMed 31209999 (cited by Labcorp Genetics (formerly Invitae), Labcorp and Department of Pathology and Laboratory Medicine, Sinai Health System); PubMed 16267036 (cited by Women's Health and Genetics/Laboratory Corporation of America, LabCorp); PubMed 21305653 (cited by Women's Health and Genetics/Laboratory Corporation of America, LabCorp); PubMed 11748305 (cited by Women's Health and Genetics/Laboratory Corporation of America, LabCorp); PubMed 24549055 (cited by Women's Health and Genetics/Laboratory Corporation of America, LabCorp); PubMed 15383404 (cited by Breast Cancer Information Core (BIC) (BRCA1)).